The following is an entry in ClinVar:

ClinVar aggregate classification (germline): Uncertain significance. Review status: criteria provided, multiple submitters, no conflicts (2 of 4 stars). 2 submissions from 2 submitters: Uncertain significance (2). Last evaluated 2023-05-08.

Submissions (2):

Labcorp Genetics (formerly Invitae), Labcorp
Classification: Uncertain significance. Last evaluated: 2023-05-08. Review status: criteria provided, single submitter. Criteria: Invitae Variant Classification Sherloc (09022015). Collection method: clinical testing. Allele origin: germline.
Comment: ClinVar contains an entry for this variant (Variation ID: 2133054). This variant has not been reported in the literature in individuals affected with COL11A1-related conditions. This variant is not present in population databases (gnomAD no frequency). This sequence change replaces tyrosine, which is neutral and polar, with cysteine, which is neutral and slightly polar, at codon 386 of the COL11A1 protein (p.Tyr386Cys). In summary, the available evidence is currently insufficient to determine the role of this variant in disease. Therefore, it has been classified as a Variant of Uncertain Significance. Advanced modeling of protein sequence and biophysical properties (such as structural, functional, and spatial information, amino acid conservation, physicochemical variation, residue mobility, and thermodynamic stability) performed at Invitae indicates that this missense variant is not expected to disrupt COL11A1 protein function.

Blueprint Genetics
Classification: Uncertain significance. Last evaluated: 2021-10-20. Review status: criteria provided, single submitter. Criteria: ACMG Guidelines, 2015. Collection method: clinical testing. Allele origin: germline.

NM_001854.4(COL11A1):c.1157A>G (p.Tyr386Cys)

Gene: COL11A1 (collagen type XI alpha 1 chain; minus strand). Cytogenetic location: 1p21.1.
Variant type: single nucleotide variant.
Coding change: c.1157A>G on transcript NM_001854.4 (MANE Select); coding-DNA position 1157, A replaced by G.
Protein change: p.Tyr386Cys; replaces tyrosine 386 with cysteine.
Molecular consequence: missense variant. On other transcripts: non-coding transcript variant (1), intron variant (1).
Genome position (GRCh38, 1-based): chr1:103,022,830, T>C on the plus strand (A>G on the coding strand, the complement: COL11A1 is on the minus strand). VCF-style: chr1-103022830-T-C. GRCh37 (hg19) VCF-style: chr1-103488386-T-C.
Other names: c.1040A>G, p.Tyr347Cys (NM_001190709.2); c.1193A>G, p.Tyr398Cys (NM_080629.3); c.898-1061A>G (NM_080630.4); short protein forms Y398C, Y347C, Y386C.
Identifiers: ClinVar variation 2133054 (VCV002133054.5), dbSNP rs2525582010, ClinGen allele CA341154521.
Genomic context (GRCh38, chr1:103,022,830, plus strand): 5'-GGTACACCTGGACCAAATTCTTCATTAGGGGGGCTTGTTGGTTTATCTTCATATTCTTTA[T>C]ATTCATAAAAATCATATTCGCCTAAATCTCCATCTACCAGAAGATCAGAATCCCTGCCGT-3'
Protein context (NP_001845.3, residues 376-396): GDLGEYDFYE[Tyr386Cys]KEYEDKPTSP